The following is an entry in ClinVar:

NM_144997.7(FLCN):c.1063-10T>G

Gene: FLCN (folliculin; minus strand). Cytogenetic location: 17p11.2.
Variant type: single nucleotide variant.
Coding change: c.1063-10T>G on transcript NM_144997.7 (MANE Select); 10 bases into the intron before coding-DNA position 1063, T replaced by G.
Molecular consequence: intron variant.
Genome position (GRCh38, 1-based): chr17:17,217,192, A>C on the plus strand (T>G on the coding strand, the complement: FLCN is on the minus strand). VCF-style: chr17-17217192-A-C. GRCh37 (hg19) VCF-style: chr17-17120506-A-C.
Other names: c.1063-10T>G (NM_001353231.2, NM_001353230.2); c.1117-10T>G (NM_001353229.2).
Identifiers: ClinVar variation 1124877 (VCV001124877.8), dbSNP rs2046952880, ClinGen allele CA981911648.

ClinVar aggregate classification (germline): Conflicting classifications of pathogenicity. Review status: criteria provided, conflicting classifications (1 of 4 stars). 2 submissions from 2 submitters: Uncertain significance (1); Likely benign (1). Last evaluated 2025-07-18.

Conditions:
Hereditary cancer-predisposing syndrome. Also called: Neoplastic Syndromes, Hereditary; Tumor predisposition; Hereditary Cancer Syndrome; Hereditary neoplastic syndrome. Identifiers: Orphanet 140162, MedGen C0027672, MeSH D009386, MONDO:0015356.
Birt-Hogg-Dube syndrome. Also called: Birt Hogg Dubé syndrome. Identifiers: Orphanet 122, MedGen C0346010, MONDO:0800444.

Allele frequency attached by ClinVar (database versions not stated): gnomAD exomes below 0.00001; TOPMed below 0.00001; gnomAD 0.00001.
gnomAD v4.1: 2 of 1,573,576 alleles (0.00013%); highest among the groups gnomAD compares: Non-Finnish European, 0.00017%; no homozygotes.

Submissions (2):

Labcorp Genetics (formerly Invitae), Labcorp
Classification: Likely benign for Birt-Hogg-Dube syndrome. Last evaluated: 2025-07-18. Review status: criteria provided, single submitter. Criteria: Invitae Variant Classification Sherloc (09022015). Collection method: clinical testing. Allele origin: germline.

Sema4
Classification: Uncertain significance for Hereditary cancer-predisposing syndrome. Last evaluated: 2021-06-13. Review status: criteria provided, single submitter. Criteria: Sema4 Curation Guidelines. Collection method: curation. Allele origin: germline.
Comment: The FLCN c.1063-10T>G variant has not been reported in the literature to our knowledge. It was not observed in the Genome Aggregation Database. The variant has not been reported in ClinVar. In silico tools suggest that the variant does not impact splicing, though these predictions have not been confirmed by functional studies. The evidence is insufficient to meet ACMG/AMP criteria for classifying the variant as benign or pathogenic. Thus, the clinical significance of this variant is currently uncertain.